The following is an entry in ClinVar:

ClinVar aggregate classification (germline): Benign. Review status: criteria provided, multiple submitters, no conflicts (2 of 4 stars). 3 submissions from 3 submitters: Benign (3). Last evaluated 2023-02-01.

Allele frequency attached by ClinVar (database versions not stated): 1000 Genomes Project 0.00280; 1000 Genomes Project 30x 0.00297; gnomAD exomes 0.00906 and 0.01299; gnomAD 0.00918 and 0.00966; ExAC 0.00950; TOPMed 0.00950; ESP Exome Variant Server 0.01046.
gnomAD v4.1: 20,235 of 1,608,878 alleles (1.3%); highest among the groups gnomAD compares: Non-Finnish European, 1.5%; 159 homozygotes.

Submissions (3):

CeGaT Center for Human Genetics Tuebingen
Classification: Benign. Last evaluated: 2023-02-01. Review status: criteria provided, single submitter. Criteria: CeGaT Center For Human Genetics Tuebingen Variant Classification Criteria Version 2. Collection method: clinical testing. Allele origin: germline. Affected: yes. Observed: 1 variant allele.
Comment: RALGAPB: BP4, BP7, BS1, BS2

Labcorp Genetics (formerly Invitae), Labcorp
Classification: Benign. Last evaluated: 2018-08-09. Review status: criteria provided, single submitter. Criteria: Invitae Variant Classification Sherloc (09022015). Collection method: clinical testing. Allele origin: germline.

Breakthrough Genomics
Classification: Benign. Review status: criteria provided, single submitter. Criteria: ACMG Guidelines, 2015. Collection method: not provided. Allele origin: germline. Inheritance: Unknown mechanism. Affected: yes.

NM_020336.4(RALGAPB):c.4095G>A (p.Glu1365=)

Gene: RALGAPB (Ral GTPase activating protein non-catalytic subunit beta; plus strand). Cytogenetic location: 20q11.23.
Variant type: single nucleotide variant.
Coding change: c.4095G>A on transcript NM_020336.4 (MANE Select); coding-DNA position 4095, G replaced by A.
Protein change: p.Glu1365=; no amino-acid change (glutamic acid 1365 retained).
Molecular consequence: synonymous variant.
Genome position (GRCh38, 1-based): chr20:38,570,800, G>A. VCF-style: chr20-38570800-G-A. GRCh37 (hg19) VCF-style: chr20-37199443-G-A.
Other names: c.4095G>A, p.Glu1365= (NM_001282917.2); c.4086G>A, p.Glu1362= (NM_001282918.2).
Identifiers: ClinVar variation 788838 (VCV000788838.28), dbSNP rs139543103, ClinGen allele CA9854660.